The following is an entry in ClinVar:

ClinVar aggregate classification (germline): Uncertain significance (1 of 4 stars; one submission).

Conditions:
Intellectual developmental disorder, autosomal dominant 6, with or without seizures. Also called: GRIN2B-related developmental delay, intellectual disability and autism spectrum disorder; Intellectual disability, autosomal dominant 6. Identifiers: Orphanet 589547, MedGen C3151411, MONDO:0013509, OMIM 613970.
Developmental and epileptic encephalopathy, 27 (DEE27). Also called: Epileptic encephalopathy, early infantile, 27; GRIN2B-Related Neurodevelopmental Disorder. Identifiers: Orphanet 3451, MedGen C4015316, MONDO:0014505, OMIM 616139.

Allele frequency attached by ClinVar (database versions not stated): gnomAD exomes 0.00001; ExAC 0.00002; TOPMed 0.00006; ESP Exome Variant Server 0.00015.
gnomAD v4.1: 3 of 1,614,248 alleles (0.00019%); highest among the groups gnomAD compares: Non-Finnish European, 0.00025%; no homozygotes.

Submission:

Labcorp Genetics (formerly Invitae), Labcorp
Classification: Uncertain significance for Developmental and epileptic encephalopathy, 27; Intellectual developmental disorder, autosomal dominant 6, with or without seizures. Last evaluated: 2025-11-11. Review status: criteria provided, single submitter. Criteria: Invitae Variant Classification Sherloc (09022015). Collection method: clinical testing. Allele origin: germline.
Comment: This sequence change replaces lysine, which is basic and polar, with asparagine, which is neutral and polar, at codon 1079 of the GRIN2B protein (p.Lys1079Asn). This variant is present in population databases (rs370532796, gnomAD 0.002%). This variant has not been reported in the literature in individuals affected with GRIN2B-related conditions. ClinVar contains an entry for this variant (Variation ID: 2930849). Invitae Evidence Modeling of protein sequence and biophysical properties (such as structural, functional, and spatial information, amino acid conservation, physicochemical variation, residue mobility, and thermodynamic stability) indicates that this missense variant is not expected to disrupt GRIN2B protein function with a negative predictive value of 95%. In summary, the available evidence is currently insufficient to determine the role of this variant in disease. Therefore, it has been classified as a Variant of Uncertain Significance.

NM_000834.5(GRIN2B):c.3237G>C (p.Lys1079Asn)

Gene: GRIN2B (glutamate ionotropic receptor NMDA type subunit 2B; minus strand). Cytogenetic location: 12p13.1.
Variant type: single nucleotide variant.
Coding change: c.3237G>C on transcript NM_000834.5 (MANE Select); coding-DNA position 3237, G replaced by C.
Protein change: p.Lys1079Asn; replaces lysine 1079 with asparagine.
Molecular consequence: missense variant.
Genome position (GRCh38, 1-based): chr12:13,564,001, C>G on the plus strand (G>C on the coding strand, the complement: GRIN2B is on the minus strand). VCF-style: chr12-13564001-C-G. GRCh37 (hg19) VCF-style: chr12-13716935-C-G.
Other names: c.3237G>C, p.Lys1079Asn (NM_001413992.1); short protein forms K1079N.
Identifiers: ClinVar variation 2930849 (VCV002930849.3), dbSNP rs370532796, ClinGen allele CA6460923.